The following is an entry in ClinVar:

ClinVar aggregate classification (germline): Likely pathogenic (1 of 4 stars; one submission).

Conditions:
Tay-Sachs disease (TSD). Also called: Hexosaminidase A Deficiency; HEXA Disorders; GM2 gangliosidosis, type 1; Hexosaminidase alpha-subunit deficiency (variant B); Sphingolipidosis, Tay-Sachs; HEXA DEFICIENCY. Identifiers: Orphanet 845, MedGen C0039373, MONDO:0010100, OMIM 272800.

Submission:

Myriad Genetics, Inc.
Classification: Likely pathogenic for Tay-Sachs disease. Last evaluated: 2019-01-13. Review status: criteria provided, single submitter. Criteria: Myriad Women's Health Autosomal Recessive and X-Linked Classification Criteria (2019). Collection method: clinical testing. Allele origin: unknown.
Comment: NM_000520.4(HEXA):c.451G>T(E151*) is expected to be pathogenic in the context of hexosaminidase A deficiency. This variant is predicted to lead to an abnormal or absent protein product due to the creation of a premature termination codon in HEXA, a gene where loss-of-function variants are known to be pathogenic. Please note: this variant was assessed in the context of healthy population screening.

NM_000520.6(HEXA):c.451G>T (p.Glu151Ter)

Gene: HEXA (hexosaminidase subunit alpha; minus strand). Cytogenetic location: 15q23.
Variant type: single nucleotide variant.
Coding change: c.451G>T on transcript NM_000520.6 (MANE Select); coding-DNA position 451, G replaced by T.
Protein change: p.Glu151Ter; replaces glutamic acid 151 with a stop codon.
Molecular consequence: nonsense. On other transcripts: non-coding transcript variant (1).
Genome position (GRCh38, 1-based): chr15:72,353,699, C>A on the plus strand (G>T on the coding strand, the complement: HEXA is on the minus strand). VCF-style: chr15-72353699-C-A. GRCh37 (hg19) VCF-style: chr15-72646040-C-A.
Other names: c.484G>T, p.Glu162Ter (NM_001318825.2); short protein forms E151*, E162*.
Identifiers: ClinVar variation 984038 (VCV000984038.3), dbSNP rs2088732981, ClinGen allele CA393065465.